The following is an entry in ClinVar:

ClinVar aggregate classification (germline): Uncertain significance (1 of 4 stars; one submission).

Conditions:
Amelogenesis imperfecta - hypoplastic autosomal dominant - local (AI1B). Also called: Amelogenesis imperfecta type 1B; ENAMEL HYPOPLASIA, HEREDITARY LOCALIZED. Identifiers: Orphanet 88661, MedGen C0399368, MONDO:0007092, OMIM 104500. Disease mechanism: loss of function.

Submission:

Victorian Clinical Genetics Services, Murdoch Childrens Research Institute
Classification: Uncertain significance for Amelogenesis imperfecta - hypoplastic autosomal dominant - local. Last evaluated: 2022-02-02. Review status: criteria provided, single submitter. Criteria: ACMG Guidelines, 2015. Collection method: clinical testing. Allele origin: germline. Inheritance: Autosomal dominant inheritance. Affected: yes.
Comment: Based on the classification scheme VCGS_Germline_v1.3.4, this variant is classified as VUS-3B. Following criteria are met: 0102 - Loss of function is a known mechanism of disease in this gene and is associated with amelogenesis imperfecta, type IC (MIM#204650), and amelogenesis imperfecta, type IB (MIM#104500). (I) 0108 - This gene is associated with both recessive and dominant disease. Autosomal recessive inheritance is associated with a more severe phenotype (PMID: 33864320). (I) 0112 - The condition associated with this gene has incomplete penetrance. Unaffected carriers of pathogenic variants have been described (PMID: 33864320). (I) 0115 - Variants in this gene are known to have variable expressivity. Intrafamilial variability of disease severity has been described (PMID: 12828988). (I) 0200 - Variant is predicted to result in a missense amino acid change from leucine to isoleucine. (I) 0251 - This variant is heterozygous. (I) 0301 - Variant is absent from gnomAD (both v2 and v3). (SP) 0309 - An alternative amino acid change at the same position has been observed in gnomAD (v2) (3 heterozygotes, 0 homozygotes). (I) 0503 - Missense variant consistently predicted to be tolerated by multiple in silico tools or not conserved in placental mammals with a minor amino acid change. (SB) 0604 - Variant is not located in an established domain, motif, hotspot or informative constraint region. (I) 0705 - No comparable missense variants have previous evidence for pathogenicity. (I) 0807 - This variant has no previous evidence of pathogenicity. (I) 0905 - No published segregation evidence has been identified for this variant. (I) 1007 - No published functional evidence has been identified for this variant. (I) 1208 - Inheritance information for this variant is not currently available in this individual. (I) Legend: (SP) - Supporting pathogenic, (I) - Information, (SB) - Supporting benign

Literature cited by the submitters: PubMed 12828988; PubMed 33864320.

NM_031889.3(ENAM):c.79C>A (p.Leu27Ile)

Gene: ENAM (enamelin; plus strand). Cytogenetic location: 4q13.3.
Variant type: single nucleotide variant.
Coding change: c.79C>A on transcript NM_031889.3 (MANE Select); coding-DNA position 79, C replaced by A.
Protein change: p.Leu27Ile; replaces leucine 27 with isoleucine.
Molecular consequence: missense variant.
Genome position (GRCh38, 1-based): chr4:70,631,694, C>A. VCF-style: chr4-70631694-C-A. GRCh37 (hg19) VCF-style: chr4-71497411-C-A.
Other names: short protein forms L27I.
Identifiers: ClinVar variation 3376596 (VCV003376596.1).
Genomic context (GRCh38, chr4:70,631,694, plus strand): 5'-CACAGACCAAAAATAAAAATCAATTTTTTATTCTAGGTACCAAAAGGCAAAATGAAGATT[C>A]TCCTGGTCTTTCTAGGGCTTCTTGGTAATTCTGTTGCTATGCCAGTGAGTATTTTTTAAA-3'
Protein context (NP_114095.2, residues 17-37): NLVPKGKMKI[Leu27Ile]LVFLGLLGNS